The following is an entry in ClinVar:

ClinVar aggregate classification (germline): Uncertain significance (1 of 4 stars; one submission).

Conditions:
Ataxia-telangiectasia syndrome (AT). Also called: Cerebello-oculocutaneous telangiectasia; Immunodeficiency with ataxia telangiectasia; Ataxia-telangiectasia, complementation group D; AT, COMPLEMENTATION GROUP C; Ataxia-telangiectasia, complementation group E; LOUIS-BAR SYNDROME. Identifiers: Orphanet 100, MedGen C0004135, MONDO:0008840, OMIM 208900.

Submission:

Labcorp Genetics (formerly Invitae), Labcorp
Classification: Uncertain significance for Ataxia-telangiectasia syndrome. Last evaluated: 2017-02-26. Review status: criteria provided, single submitter. Criteria: Invitae Variant Classification Sherloc (09022015). Collection method: clinical testing. Allele origin: germline.
Comment: In summary, this variant is a novel missense change that is not predicted to affect protein function. There is no indication that it causes disease, but the available evidence is currently insufficient to prove that conclusively. Therefore, it has been classified as a Variant of Uncertain Significance. Algorithms developed to predict the effect of missense changes on protein structure and function (SIFT, PolyPhen-2, Align-GVGD) all suggest that this variant is likely to be tolerated, but these predictions have not been confirmed by published functional studies. This variant is not present in population databases (ExAC no frequency) and has not been reported in the literature in individuals with an ATM-related disease. This sequence change replaces isoleucine with leucine at codon 289 of the ATM protein (p.Ile289Leu). The isoleucine residue is weakly conserved and there is a small physicochemical difference between isoleucine and leucine.

NM_000051.4(ATM):c.865A>C (p.Ile289Leu)

Gene: ATM (ATM serine/threonine kinase; plus strand). Cytogenetic location: 11q22.3.
Variant type: single nucleotide variant.
Coding change: c.865A>C on transcript NM_000051.4 (MANE Select); coding-DNA position 865, A replaced by C.
Protein change: p.Ile289Leu; replaces isoleucine 289 with leucine.
Molecular consequence: missense variant.
Genome position (GRCh38, 1-based): chr11:108,244,990, A>C. VCF-style: chr11-108244990-A-C. GRCh37 (hg19) VCF-style: chr11-108115717-A-C.
Other names: c.865A>C, p.Ile289Leu (NM_001351834.2); short protein forms I289L.
Identifiers: ClinVar variation 453739 (VCV000453739.8), dbSNP rs1555067259, ClinGen allele CA382529512.